The following is an entry in ClinVar:

NM_138576.4(BCL11B):c.1003A>G (p.Met335Val)

Gene: BCL11B (BCL11 transcription factor B; minus strand). Cytogenetic location: 14q32.2.
Variant type: single nucleotide variant.
Coding change: c.1003A>G on transcript NM_138576.4 (MANE Select); coding-DNA position 1003, A replaced by G.
Protein change: p.Met335Val; replaces methionine 335 with valine.
Molecular consequence: missense variant.
Genome position (GRCh38, 1-based): chr14:99,175,833, T>C on the plus strand (A>G on the coding strand, the complement: BCL11B is on the minus strand). VCF-style: chr14-99175833-T-C. GRCh37 (hg19) VCF-style: chr14-99642170-T-C.
Other names: c.1000A>G, p.Met334Val (NM_001282237.2); c.787A>G, p.Met263Val (NM_001282238.2); c.790A>G, p.Met264Val (NM_022898.3); short protein forms M334V, M263V, M264V, M335V.
Identifiers: ClinVar variation 1029132 (VCV001029132.1), dbSNP rs1886500576, ClinGen allele CA390936319.

ClinVar aggregate classification (germline): Uncertain significance (1 of 4 stars; one submission).

Conditions:
Immunodeficiency 49 (IMD49). Also called: IMMUNODEFICIENCY 49, SEVERE COMBINED; SEVERE COMBINED IMMUNODEFICIENCY, T CELL-NEGATIVE, B CELL-POSITIVE, NK CELL-POSITIVE, WITH INTELLECTUAL DISABILITY, SPASTICITY, AND CRANIOFACIAL ABNORMALITIES; SCID, T CELL-NEGATIVE, B CELL-POSITIVE, NK CELL-POSITIVE, WITH INTELLECTUAL DISABILITY, SPASTICITY, AND CRANIOFACIAL ABNORMALITIES. Identifiers: MedGen C4310656, MONDO:0014981, OMIM 617237.

Submission:

Baylor Genetics
Classification: Uncertain significance for Immunodeficiency 49. Last evaluated: 2020-02-13. Review status: criteria provided, single submitter. Criteria: ACMG Guidelines, 2015. Collection method: clinical testing. Allele origin: unknown. Affected: yes.
Comment: This variant was determined to be of uncertain significance according to ACMG Guidelines, 2015 [PMID:25741868].